The following is an entry in ClinVar:

ClinVar aggregate classification (germline): Uncertain significance. Review status: criteria provided, multiple submitters, no conflicts (2 of 4 stars). 3 submissions from 3 submitters: Uncertain significance (3). Last evaluated 2025-01-24.

Conditions:
Osteochondritis dissecans. Identifiers: Orphanet 251262, Orphanet 2764, MedGen C0029421, MONDO:0017178, HP:0010886.
Inborn genetic diseases. Identifiers: MedGen C0950123, MeSH D030342.

Allele frequency attached by ClinVar (database versions not stated): TOPMed 0.00002; gnomAD 0.00003; ExAC 0.00004.

Submissions (3):

Ambry Genetics
Classification: Uncertain significance for Inborn genetic diseases. Last evaluated: 2025-01-24. Review status: criteria provided, single submitter. Criteria: Ambry Variant Classification Scheme 2023. Collection method: clinical testing. Allele origin: germline.

Labcorp Genetics (formerly Invitae), Labcorp
Classification: Uncertain significance. Last evaluated: 2024-05-21. Review status: criteria provided, single submitter. Criteria: Invitae Variant Classification Sherloc (09022015). Collection method: clinical testing. Allele origin: germline.
Comment: This sequence change replaces aspartic acid, which is acidic and polar, with asparagine, which is neutral and polar, at codon 339 of the ACAN protein (p.Asp339Asn). This variant is present in population databases (rs746352037, gnomAD 0.01%). This variant has not been reported in the literature in individuals affected with ACAN-related conditions. ClinVar contains an entry for this variant (Variation ID: 1034407). Advanced modeling of protein sequence and biophysical properties (such as structural, functional, and spatial information, amino acid conservation, physicochemical variation, residue mobility, and thermodynamic stability) performed at Invitae indicates that this missense variant is not expected to disrupt ACAN protein function with a negative predictive value of 80%. In summary, the available evidence is currently insufficient to determine the role of this variant in disease. Therefore, it has been classified as a Variant of Uncertain Significance.

Baylor Genetics
Classification: Uncertain significance for Short stature and advanced bone age, with or without early-onset osteoarthritis and/or osteochondritis dissecans. Last evaluated: 2018-11-15. Review status: criteria provided, single submitter. Criteria: ACMG Guidelines, 2015. Collection method: clinical testing. Allele origin: maternal. Affected: yes.
Comment: This variant was determined to be of uncertain significance according to ACMG Guidelines, 2015 [PMID:25741868].

NM_001369268.1(ACAN):c.1015G>A (p.Asp339Asn)

Gene: ACAN (aggrecan; plus strand). Cytogenetic location: 15q26.1.
Variant type: single nucleotide variant.
Coding change: c.1015G>A on transcript NM_001369268.1 (MANE Select); coding-DNA position 1015, G replaced by A.
Protein change: p.Asp339Asn; replaces aspartic acid 339 with asparagine.
Molecular consequence: missense variant.
Genome position (GRCh38, 1-based): chr15:88,843,612, G>A. VCF-style: chr15-88843612-G-A. GRCh37 (hg19) VCF-style: chr15-89386843-G-A.
Other names: c.1015G>A, p.Asp339Asn (NM_001135.4, NM_013227.4); short protein forms D339N.
Identifiers: ClinVar variation 1034407 (VCV001034407.5), dbSNP rs746352037, ClinGen allele CA7719426.
Genomic context (GRCh38, chr15:88,843,612, plus strand): 5'-GGTGGCAACCTCCTGGGCGTGAGGACCGTCTACGTGCATGCCAACCAGACGGGCTACCCC[G>A]ACCCCTCATCCCGCTACGACGCCATCTGCTACACAGGTGGGGCACGGCTGGTGGTGGGAA-3'
Protein context (NP_001356197.1, residues 329-349): YVHANQTGYP[Asp339Asn]PSSRYDAICY